The following is an entry in ClinVar:

ClinVar aggregate classification (germline): Uncertain significance (1 of 4 stars; one submission).

Conditions:
Cerebrooculofacioskeletal syndrome 1 (COFS1). Also called: Cerebro-oculo-facio-skeletal syndrome 1. Identifiers: MedGen C0220722, MONDO:0008955, OMIM 214150.

gnomAD v4.1: 2 of 1,614,056 alleles (0.00012%); highest among the groups gnomAD compares: African/African-American, 0.0027%; no homozygotes.

Submission:

Dasa
Classification: Uncertain significance for Cerebrooculofacioskeletal syndrome 1. Last evaluated: 2025-05-25. Review status: criteria provided, single submitter. Criteria: DASA Assertion Criteria. Collection method: clinical testing. Allele origin: germline.
Comment: NM_000124.4(ERCC6):c.3735G>C (p.Gln1245His) is a missense variant that results in the substitution of glutamine with histidine. This variant is rare in population databases. Computational prediction algorithms are consistent with a benign effect. The currently available literature and clinical evidence are not sufficient to establish a definitive association between this variant and the reported condition. Therefore, this variant is classified as a variant of uncertain significance.

NM_000124.4(ERCC6):c.3735G>C (p.Gln1245His)

Gene: ERCC6 (ERCC excision repair 6, chromatin remodeling factor; minus strand). Cytogenetic location: 10q11.23.
Variant type: single nucleotide variant.
Coding change: c.3735G>C on transcript NM_000124.4 (MANE Select); coding-DNA position 3735, G replaced by C.
Protein change: p.Gln1245His; replaces glutamine 1245 with histidine.
Molecular consequence: missense variant.
Genome position (GRCh38, 1-based): chr10:49,470,225, C>G on the plus strand (G>C on the coding strand, the complement: ERCC6 is on the minus strand). VCF-style: chr10-49470225-C-G. GRCh37 (hg19) VCF-style: chr10-50678271-C-G.
Other names: c.3735G>C, p.Gln1245His (NM_001346440.2); short protein forms Q1245H.
Identifiers: ClinVar variation 4882498 (VCV004882498.2).